The following is an entry in ClinVar:

ClinVar aggregate classification (germline): Uncertain significance (1 of 4 stars; one submission).

Conditions:
Autoimmune lymphoproliferative syndrome type 1. Also called: AUTOIMMUNE LYMPHOPROLIFERATIVE SYNDROME, TYPE I, AUTOSOMAL DOMINANT. Identifiers: Orphanet 3261, MedGen C2717884, MONDO:0011158, OMIM 601859.

gnomAD v4.1: 1 of 1,613,190 alleles (0.000062%); highest among the groups gnomAD compares: Non-Finnish European, 0.000085%; no homozygotes.

Submission:

Labcorp Genetics (formerly Invitae), Labcorp
Classification: Uncertain significance for Autoimmune lymphoproliferative syndrome. Last evaluated: 2024-11-13. Review status: criteria provided, single submitter. Criteria: Invitae Variant Classification Sherloc (09022015). Collection method: clinical testing. Allele origin: germline.
Comment: This sequence change replaces aspartic acid, which is acidic and polar, with glutamic acid, which is acidic and polar, at codon 317 of the FAS protein (p.Asp317Glu). This variant is not present in population databases (gnomAD no frequency). This variant has not been reported in the literature in individuals affected with FAS-related conditions. An algorithm developed to predict the effect of missense changes on protein structure and function (PolyPhen-2) suggests that this variant is likely to be tolerated. In summary, the available evidence is currently insufficient to determine the role of this variant in disease. Therefore, it has been classified as a Variant of Uncertain Significance.

NM_000043.6(FAS):c.951C>A (p.Asp317Glu)

Gene: FAS (Fas cell surface death receptor; plus strand). Cytogenetic location: 10q23.31.
Variant type: single nucleotide variant.
Coding change: c.951C>A on transcript NM_000043.6 (MANE Select); coding-DNA position 951, C replaced by A.
Protein change: p.Asp317Glu; replaces aspartic acid 317 with glutamic acid.
Molecular consequence: missense variant. On other transcripts: 3 prime UTR variant (2), non-coding transcript variant (7).
Genome position (GRCh38, 1-based): chr10:89,014,393, C>A. VCF-style: chr10-89014393-C-A. GRCh37 (hg19) VCF-style: chr10-90774150-C-A.
Other names: c.*274C>A (NM_001320619.2); c.996C>A, p.Asp332Glu (NM_001410956.1); c.888C>A, p.Asp296Glu (NM_152871.4); c.*263C>A (NM_152872.4); short protein forms D332E, D296E, D317E.
Identifiers: ClinVar variation 3725125 (VCV003725125.2).
Genomic context (GRCh38, chr10:89,014,393, plus strand): 5'-TCTCAAAAAAGCCAATCTTTGTACTCTTGCAGAGAAAATTCAGACTATCATCCTCAAGGA[C>A]ATTACTAGTGACTCAGAAAATTCAAACTTCAGAAATGAAATCCAAAGCTTGGTCTAGAGT-3'
Protein context (NP_000034.1, residues 307-327): AEKIQTIILK[Asp317Glu]ITSDSENSNF